The following is an entry in ClinVar:

ClinVar aggregate classification (germline): Pathogenic. Review status: criteria provided, multiple submitters, no conflicts (2 of 4 stars). 2 submissions from 2 submitters: Pathogenic (2). Last evaluated 2024-12-17.

Conditions:
GATA2-related disorder. Also called: GATA2-Related Disorders; GATA2-related condition.
Monocytopenia with susceptibility to infections. Also called: MONOCYTOPENIA AND MYCOBACTERIAL INFECTION SYNDROME; MONOCYTOPENIA WITH SUSCEPTIBILITY TO MYCOBACTERIAL, FUNGAL, AND PAPILLOMAVIRUS INFECTIONS AND MYELODYSPLASIA; COMBINED IMMUNODEFICIENCY WITH SUSCEPTIBILITY TO MYCOBACTERIAL, VIRAL, AND FUNGAL INFECTIONS; Dendritic cell, monocyte, B lymphocyte, and natural killer lymphocyte deficiency; IMMUNODEFICIENCY 21; GATA2 DEFICIENCY. Identifiers: Orphanet 228423, MedGen C3280030, MONDO:0013607, OMIM 614172.
Deafness-lymphedema-leukemia syndrome. Also called: Lymphedema, primary, with myelodysplasia; Emberger syndrome. Identifiers: Orphanet 3226, MedGen C3279664, MONDO:0013540, OMIM 614038.

Submissions (2):

Women's Health and Genetics/Laboratory Corporation of America, LabCorp
Classification: Pathogenic for GATA2-Related Disorders. Last evaluated: 2024-12-17. Review status: criteria provided, single submitter. Criteria: LabCorp Variant Classification Summary - May 2015. Collection method: clinical testing. Allele origin: germline.
Comment: Variant summary: GATA2 c.99C>A (p.Tyr33X) results in a premature termination codon, predicted to cause a truncation of the encoded protein or absence of the protein due to nonsense mediated decay, which are commonly known mechanisms for disease. The variant was absent in 245270 control chromosomes. To our knowledge, no occurrence of c.99C>A in individuals affected with GATA2-Related Disorders and no experimental evidence demonstrating its impact on protein function have been reported. ClinVar contains an entry for this variant (Variation ID: 2013207). Based on the evidence outlined above, the variant was classified as pathogenic.

Labcorp Genetics (formerly Invitae), Labcorp
Classification: Pathogenic for Monocytopenia with susceptibility to infections; Deafness-lymphedema-leukemia syndrome. Last evaluated: 2022-07-02. Review status: criteria provided, single submitter. Criteria: Invitae Variant Classification Sherloc (09022015). Collection method: clinical testing. Allele origin: germline.
Comment: For these reasons, this variant has been classified as Pathogenic. This variant has not been reported in the literature in individuals affected with GATA2-related conditions. This variant is not present in population databases (gnomAD no frequency). This sequence change creates a premature translational stop signal (p.Tyr33*) in the GATA2 gene. It is expected to result in an absent or disrupted protein product. Loss-of-function variants in GATA2 are known to be pathogenic (PMID: 21670465, 23223431).

Literature cited by the submitters: PubMed 21670465 (cited by Labcorp Genetics (formerly Invitae), Labcorp); PubMed 23223431 (cited by Labcorp Genetics (formerly Invitae), Labcorp).

NM_032638.5(GATA2):c.99C>A (p.Tyr33Ter)

Gene: GATA2 (GATA binding protein 2; minus strand). Cytogenetic location: 3q21.3.
Variant type: single nucleotide variant.
Coding change: c.99C>A on transcript NM_032638.5 (MANE Select); coding-DNA position 99, C replaced by A.
Protein change: p.Tyr33Ter; replaces tyrosine 33 with a stop codon.
Molecular consequence: nonsense.
Genome position (GRCh38, 1-based): chr3:128,486,933, G>T on the plus strand (C>A on the coding strand, the complement: GATA2 is on the minus strand). VCF-style: chr3-128486933-G-T. GRCh37 (hg19) VCF-style: chr3-128205776-G-T.
Other names: c.99C>A, p.Tyr33Ter (NM_001145661.2, NM_001145662.1); short protein forms Y33*.
Identifiers: ClinVar variation 2013207 (VCV002013207.5), dbSNP rs2472934740, ClinGen allele CA354408897.